The following is an entry in ClinVar:

ClinVar aggregate classification (germline): Uncertain significance (1 of 4 stars; one submission).

Allele frequency attached by ClinVar (database versions not stated): gnomAD exomes below 0.00001; TOPMed below 0.00001.
gnomAD v4.1: 1 of 1,613,288 alleles (0.000062%); highest among the groups gnomAD compares: Non-Finnish European, 0.000085%; no homozygotes.

Submission:

Labcorp Genetics (formerly Invitae), Labcorp
Classification: Uncertain significance. Last evaluated: 2024-01-13. Review status: criteria provided, single submitter. Criteria: Invitae Variant Classification Sherloc (09022015). Collection method: clinical testing. Allele origin: germline.
Comment: This sequence change replaces aspartic acid, which is acidic and polar, with glycine, which is neutral and non-polar, at codon 263 of the KMT2E protein (p.Asp263Gly). This variant is present in population databases (no rsID available, gnomAD 0.0009%). This variant has not been reported in the literature in individuals affected with KMT2E-related conditions. Advanced modeling of protein sequence and biophysical properties (such as structural, functional, and spatial information, amino acid conservation, physicochemical variation, residue mobility, and thermodynamic stability) performed at Invitae indicates that this missense variant is not expected to disrupt KMT2E protein function with a negative predictive value of 80%. In summary, the available evidence is currently insufficient to determine the role of this variant in disease. Therefore, it has been classified as a Variant of Uncertain Significance.

NM_182931.3(KMT2E):c.788A>G (p.Asp263Gly)

Gene: KMT2E (lysine methyltransferase 2E (inactive); plus strand). Cytogenetic location: 7q22.3.
Variant type: single nucleotide variant.
Coding change: c.788A>G on transcript NM_182931.3 (MANE Select); coding-DNA position 788, A replaced by G.
Protein change: p.Asp263Gly; replaces aspartic acid 263 with glycine.
Molecular consequence: missense variant.
Genome position (GRCh38, 1-based): chr7:105,076,982, A>G. VCF-style: chr7-105076982-A-G. GRCh37 (hg19) VCF-style: chr7-104717429-A-G.
Other names: c.788A>G, p.Asp263Gly (NM_001410908.1, NM_018682.4); short protein forms D263G.
Identifiers: ClinVar variation 2709058 (VCV002709058.3), dbSNP rs1327919069, ClinGen allele CA368777443.